The following is an entry in ClinVar:

NM_000179.3(MSH6):c.1128A>T (p.Glu376Asp)

Gene: MSH6 (mutS homolog 6; plus strand). Cytogenetic location: 2p16.3.
Variant type: single nucleotide variant.
Coding change: c.1128A>T on transcript NM_000179.3 (MANE Select); coding-DNA position 1128, A replaced by T.
Protein change: p.Glu376Asp; replaces glutamic acid 376 with aspartic acid.
Molecular consequence: missense variant.
Genome position (GRCh38, 1-based): chr2:47,799,111, A>T. VCF-style: chr2-47799111-A-T. GRCh37 (hg19) VCF-style: chr2-48026250-A-T.
Other names: c.738A>T, p.Glu246Asp (NM_001281492.2); c.222A>T, p.Glu74Asp (NM_001281493.2, NM_001281494.2); short protein forms E376D, E246D, E74D.
Identifiers: ClinVar variation 479934 (VCV000479934.10), dbSNP rs1553412518, ClinGen allele CA346742068.
Genomic context (GRCh38, chr2:47,799,111, plus strand): 5'-TGATGACAGTAGTCGCCCTACTGTTTGGTATCATGAAACTTTAGAATGGCTTAAGGAGGA[A>T]AAGAGAAGAGATGAGCACAGGAGGAGGCCTGATCACCCCGATTTTGATGCATCTACACTC-3'
Protein context (NP_000170.1, residues 366-386): YHETLEWLKE[Glu376Asp]KRRDEHRRRP

ClinVar aggregate classification (germline): Uncertain significance. Review status: criteria provided, multiple submitters, no conflicts (2 of 4 stars). 2 submissions from 2 submitters: Uncertain significance (2). Last evaluated 2022-11-04.

Conditions:
Hereditary nonpolyposis colorectal neoplasms. Identifiers: MedGen C0009405, MeSH D003123.
Hereditary cancer-predisposing syndrome. Also called: Hereditary Cancer Syndrome; Neoplastic Syndromes, Hereditary; Tumor predisposition; Hereditary neoplastic syndrome. Identifiers: Orphanet 140162, MedGen C0027672, MeSH D009386, MONDO:0015356.

Submissions (2):

Labcorp Genetics (formerly Invitae), Labcorp
Classification: Uncertain significance for Hereditary nonpolyposis colorectal neoplasms. Last evaluated: 2022-11-04. Review status: criteria provided, single submitter. Criteria: Invitae Variant Classification Sherloc (09022015). Collection method: clinical testing. Allele origin: germline.
Comment: In summary, the available evidence is currently insufficient to determine the role of this variant in disease. Therefore, it has been classified as a Variant of Uncertain Significance. This sequence change replaces glutamic acid, which is acidic and polar, with aspartic acid, which is acidic and polar, at codon 376 of the MSH6 protein (p.Glu376Asp). This variant is not present in population databases (gnomAD no frequency). This variant has not been reported in the literature in individuals affected with MSH6-related conditions. ClinVar contains an entry for this variant (Variation ID: 479934). Advanced modeling of protein sequence and biophysical properties (such as structural, functional, and spatial information, amino acid conservation, physicochemical variation, residue mobility, and thermodynamic stability) performed at Invitae indicates that this missense variant is not expected to disrupt MSH6 protein function.

Ambry Genetics
Classification: Uncertain significance for Hereditary cancer-predisposing syndrome. Last evaluated: 2016-10-21. Review status: criteria provided, single submitter. Criteria: Ambry Variant Classification Scheme 2023. Collection method: clinical testing. Allele origin: germline.
Comment: The p.E376D variant (also known as c.1128A>T), located in coding exon 4 of the MSH6 gene, results from an A to T substitution at nucleotide position 1128. The glutamic acid at codon 376 is replaced by aspartic acid, an amino acid with highly similar properties. This amino acid position is poorly conserved in available vertebrate species. In addition, this alteration is predicted to be tolerated by in silico analysis. In addition, the CoDP in silico tool predicts this alteration to have minor impact on molecular function, with a score of 0.000 (Terui H et al. J. Biomed. Sci. 2013;20:25). Since supporting evidence is limited at this time, the clinical significance of this alteration remains unclear.